The following is an entry in ClinVar:

NM_001378457.1(DMXL2):c.1711A>G (p.Thr571Ala)

Gene: DMXL2 (Dmx like 2; minus strand). Cytogenetic location: 15q21.2.
Variant type: single nucleotide variant.
Coding change: c.1711A>G on transcript NM_001378457.1 (MANE Select); coding-DNA position 1711, A replaced by G.
Protein change: p.Thr571Ala; replaces threonine 571 with alanine.
Molecular consequence: missense variant. On other transcripts: non-coding transcript variant (2).
Genome position (GRCh38, 1-based): chr15:51,536,769, T>C on the plus strand (A>G on the coding strand, the complement: DMXL2 is on the minus strand). VCF-style: chr15-51536769-T-C. GRCh37 (hg19) VCF-style: chr15-51828966-T-C.
Other names: c.1711A>G, p.Thr571Ala (NM_001174116.3, NM_001174117.3, NM_001378458.1 and 6 more transcripts); c.1471A>G, p.Thr491Ala (NM_001378464.1); short protein forms T571A, T491A.
Identifiers: ClinVar variation 2800552 (VCV002800552.3), dbSNP rs766127257, ClinGen allele CA7562519.

ClinVar aggregate classification (germline): Uncertain significance (1 of 4 stars; one submission).

Allele frequency attached by ClinVar (database versions not stated): gnomAD exomes below 0.00001; TOPMed below 0.00001; ExAC 0.00001.
gnomAD v4.1: 1 of 1,614,032 alleles (0.000062%); highest among the groups gnomAD compares: African/African-American, 0.0013%; no homozygotes.

Submission:

Labcorp Genetics (formerly Invitae), Labcorp
Classification: Uncertain significance. Last evaluated: 2023-11-24. Review status: criteria provided, single submitter. Criteria: Invitae Variant Classification Sherloc (09022015). Collection method: clinical testing. Allele origin: germline.
Comment: This sequence change replaces threonine, which is neutral and polar, with alanine, which is neutral and non-polar, at codon 571 of the DMXL2 protein (p.Thr571Ala). This variant is present in population databases (rs766127257, gnomAD 0.007%). This variant has not been reported in the literature in individuals affected with DMXL2-related conditions. Algorithms developed to predict the effect of missense changes on protein structure and function output the following: SIFT: "Not Available"; PolyPhen-2: "Benign"; Align-GVGD: "Not Available". The alanine amino acid residue is found in multiple mammalian species, which suggests that this missense change does not adversely affect protein function. In summary, the available evidence is currently insufficient to determine the role of this variant in disease. Therefore, it has been classified as a Variant of Uncertain Significance.